The following is an entry in ClinVar:

ClinVar aggregate classification (germline): Uncertain significance (1 of 4 stars; one submission).

Conditions:
Cardiovascular phenotype. Identifiers: MedGen CN230736.

Submission:

Ambry Genetics
Classification: Uncertain significance for Cardiovascular phenotype. Last evaluated: 2025-08-12. Review status: criteria provided, single submitter. Criteria: Ambry Variant Classification Scheme 2023. Collection method: clinical testing. Allele origin: germline.
Comment: The p.S635N variant (also known as c.1904G>A), located in coding exon 15 of the JAG1 gene, results from a G to A substitution at nucleotide position 1904. The serine at codon 635 is replaced by asparagine, an amino acid with highly similar properties. This amino acid position is conserved. In addition, this alteration is predicted to be tolerated by in silico analysis. Based on the available evidence, the clinical significance of this variant remains unclear.

NM_000214.3(JAG1):c.1904G>A (p.Ser635Asn)

Gene: JAG1 (jagged canonical Notch ligand 1; minus strand). Cytogenetic location: 20p12.2.
Variant type: single nucleotide variant.
Coding change: c.1904G>A on transcript NM_000214.3 (MANE Select); coding-DNA position 1904, G replaced by A.
Protein change: p.Ser635Asn; replaces serine 635 with asparagine.
Molecular consequence: missense variant.
Genome position (GRCh38, 1-based): chr20:10,646,066, C>T on the plus strand (G>A on the coding strand, the complement: JAG1 is on the minus strand). VCF-style: chr20-10646066-C-T. GRCh37 (hg19) VCF-style: chr20-10626714-C-T.
Other names: short protein forms S635N.
Identifiers: ClinVar variation 4089125 (VCV004089125.1).
Genomic context (GRCh38, chr20:10,646,066, plus strand): 5'-CAGATGCACTTGTAGGAGTTGACACCATCGATGCAAGTGCCACCGTTTCTACAAGGGTTG[C>T]TCTCACAGTCATTAATATCTATGAAACAAAGTAAAGCAAAAAAAGAACTGAAGGACTTGT-3'
Protein context (NP_000205.1, residues 625-645): YCHENINDCE[Ser635Asn]NPCRNGGTCI